The following is an entry in ClinVar:

NM_001079802.2(FKTN):c.653A>T (p.Glu218Val)

Gene: FKTN (fukutin; plus strand). Cytogenetic location: 9q31.2.
Variant type: single nucleotide variant.
Coding change: c.653A>T on transcript NM_001079802.2 (MANE Select); coding-DNA position 653, A replaced by T.
Protein change: p.Glu218Val; replaces glutamic acid 218 with valine.
Molecular consequence: missense variant. On other transcripts: non-coding transcript variant (2).
Genome position (GRCh38, 1-based): chr9:105,607,824, A>T. VCF-style: chr9-105607824-A-T. GRCh37 (hg19) VCF-style: chr9-108370105-A-T.
Other names: c.653A>T, p.Glu218Val (NM_001198963.2, NM_001351496.2, NM_001351498.2 and 1 more transcripts); c.584A>T, p.Glu195Val (NM_001351497.2); c.257A>T, p.Glu86Val (NM_001351499.2, NM_001351500.2, NM_001351501.2 and 1 more transcripts); c.653A>T (NM_001079802.1); short protein forms E195V, E86V, E218V.
Identifiers: ClinVar variation 1485692 (VCV001485692.6), dbSNP rs978338266, ClinGen allele CA197441293.
Genomic context (GRCh38, chr9:105,607,824, plus strand): 5'-TCTCCCTCCCTGTTTCCCCCACCCCTCATTAATAAATCTTAACTTTTGTTTTCAGGCCAG[A>T]GTTACAGCAAGTTACTGTTGATGGACTGGAAGTTCTCATTCCAAAGGATCCAATGCACTT-3'
Protein context (NP_001073270.1, residues 208-228): GRYPGAFDRP[Glu218Val]LQQVTVDGLE

ClinVar aggregate classification (germline): Uncertain significance. Review status: criteria provided, multiple submitters, no conflicts (2 of 4 stars). 2 submissions from 2 submitters: Uncertain significance (2). Last evaluated 2023-05-27.

Conditions:
Cardiovascular phenotype. Identifiers: MedGen CN230736.
Walker-Warburg congenital muscular dystrophy. Also called: Muscular dystrophy-dystroglycanopathy, type A; Walker-Warburg syndrome. Identifiers: Orphanet 899, MedGen C0265221, MONDO:0000171.

Allele frequency attached by ClinVar (database versions not stated): gnomAD exomes below 0.00001 and 0.00002; TOPMed below 0.00001.
gnomAD v4.1: 32 of 1,612,600 alleles (0.002%); highest among the groups gnomAD compares: Non-Finnish European, 0.0025%; no homozygotes.

Submissions (2):

Ambry Genetics
Classification: Uncertain significance for Cardiovascular phenotype. Last evaluated: 2023-05-27. Review status: criteria provided, single submitter. Criteria: Ambry Variant Classification Scheme 2023. Collection method: clinical testing. Allele origin: germline.
Comment: The p.E218V variant (also known as c.653A>T), located in coding exon 5 of the FKTN gene, results from an A to T substitution at nucleotide position 653. The glutamic acid at codon 218 is replaced by valine, an amino acid with dissimilar properties. This amino acid position is conserved. In addition, this alteration is predicted to be deleterious by in silico analysis. Since supporting evidence is limited at this time, the clinical significance of this alteration remains unclear.

Labcorp Genetics (formerly Invitae), Labcorp
Classification: Uncertain significance for Walker-Warburg congenital muscular dystrophy. Last evaluated: 2021-08-24. Review status: criteria provided, single submitter. Criteria: Invitae Variant Classification Sherloc (09022015). Collection method: clinical testing. Allele origin: germline.
Comment: This sequence change replaces glutamic acid with valine at codon 218 of the FKTN protein (p.Glu218Val). The glutamic acid residue is highly conserved and there is a moderate physicochemical difference between glutamic acid and valine. This variant is not present in population databases (ExAC no frequency). This variant has not been reported in the literature in individuals affected with FKTN-related conditions. Algorithms developed to predict the effect of missense changes on protein structure and function are either unavailable or do not agree on the potential impact of this missense change (SIFT: "Deleterious"; PolyPhen-2: "Benign"; Align-GVGD: "Class C35"). In summary, the available evidence is currently insufficient to determine the role of this variant in disease. Therefore, it has been classified as a Variant of Uncertain Significance.